The following is an entry in ClinVar:

NM_022124.6(CDH23):c.7049C>T (p.Ser2350Leu)

Gene: CDH23 (cadherin related 23; plus strand). Cytogenetic location: 10q22.1.
Variant type: single nucleotide variant.
Coding change: c.7049C>T on transcript NM_022124.6 (MANE Select); coding-DNA position 7049, C replaced by T.
Protein change: p.Ser2350Leu; replaces serine 2350 with leucine.
Molecular consequence: missense variant.
Genome position (GRCh38, 1-based): chr10:71,798,573, C>T. VCF-style: chr10-71798573-C-T. GRCh37 (hg19) VCF-style: chr10-73558330-C-T.
Other names: c.329C>T, p.Ser110Leu (NM_001171933.1, NM_001171934.1); short protein forms S2350L, S110L.
Identifiers: ClinVar variation 96026 (VCV000096026.17), dbSNP rs371522435, ClinGen allele CA223630.

ClinVar aggregate classification (germline): Conflicting classifications of pathogenicity. Review status: criteria provided, conflicting classifications (1 of 4 stars). 7 submissions from 7 submitters: Uncertain significance (5); Likely benign (1). 1 of the submissions does not count toward it. Last evaluated 2026-03-25.

Conditions:
Usher syndrome type 1D (USH1D). Also called: USHER SYNDROME, TYPE ID. Identifiers: Orphanet 231169, Orphanet 886, MedGen C1832845, MONDO:0010984, OMIM 601067.
Autosomal recessive nonsyndromic hearing loss 12. Also called: DEAFNESS, AUTOSOMAL RECESSIVE 12. Identifiers: Orphanet 90636, MedGen C1832394, MONDO:0011067, OMIM 601386.
Pituitary adenoma 5, multiple types. Identifiers: MedGen C4539685, MONDO:0054601, OMIM 617540.
CDH23-related disorder. Also called: CDH23-related disorders; CDH23-related condition.
Usher syndrome type 1 (USH1). Also called: RETINITIS PIGMENTOSA AND CONGENITAL DEAFNESS. Identifiers: Orphanet 231169, Orphanet 886, MedGen C1568247, MONDO:0010168, OMIM 276900.

Allele frequency attached by ClinVar (database versions not stated): gnomAD exomes 0.00012; 1000 Genomes Project 30x 0.00016; ESP Exome Variant Server 0.00017; TOPMed 0.00047; gnomAD 0.00034 and 0.00038; 1000 Genomes Project 0.00020; ExAC 0.00012.
gnomAD v4.1: 132 of 1,607,324 alleles (0.0082%); highest among the groups gnomAD compares: African/African-American, 0.13%; no homozygotes.

Submissions (7):

PreventionGenetics, part of Exact Sciences
Classification: Uncertain significance for CDH23-related condition. Last evaluated: 2026-03-25. Review status: criteria provided, single submitter. Criteria: ACMG Guidelines, 2015. Collection method: clinical testing. Allele origin: germline.
Comment: The CDH23 c.7049C>T variant is predicted to result in the amino acid substitution p.Ser2350Leu. To our knowledge, this variant has not been reported in the literature. This variant is reported in 0.13% of alleles in individuals of African descent in gnomAD. Although we suspect that this variant may be benign, at this time, the clinical significance of this variant is uncertain due to the absence of conclusive functional and genetic evidence.

Labcorp Genetics (formerly Invitae), Labcorp
Classification: Likely benign. Last evaluated: 2025-12-30. Review status: criteria provided, single submitter. Criteria: Invitae Variant Classification Sherloc (09022015). Collection method: clinical testing. Allele origin: germline.

Blueprint Genetics
Classification: Uncertain significance. Last evaluated: 2023-01-26. Review status: criteria provided, single submitter. Criteria: ACMG Guidelines, 2015. Collection method: clinical testing. Allele origin: germline.

Fulgent Genetics
Classification: Uncertain significance for Usher syndrome type 1D; Autosomal recessive nonsyndromic hearing loss 12; Pituitary adenoma 5, multiple types. Last evaluated: 2018-10-31. Review status: criteria provided, single submitter. Criteria: ACMG Guidelines, 2015. Collection method: clinical testing. Allele origin: unknown.

Eurofins Ntd Llc (ga)
Classification: Uncertain significance. Last evaluated: 2018-02-06. Review status: criteria provided, single submitter. Criteria: EGL Classification Definitions 2015. Collection method: clinical testing. Allele origin: germline. Observed: 2 variant alleles, 2 heterozygotes.

Breakthrough Genomics
Classification: Uncertain significance. Review status: criteria provided, single submitter. Criteria: ACMG Guidelines, 2015. Collection method: not provided. Allele origin: germline. Inheritance: Autosomal recessive inheritance. Affected: yes.

Natera, Inc.
Classification: Uncertain significance for Usher syndrome type 1. Last evaluated: 2020-03-24. Review status: no assertion criteria provided. Collection method: clinical testing. Allele origin: germline. Not counted in ClinVar's aggregate classification.